The following is an entry in ClinVar:

NM_001374623.1(PNPLA1):c.737G>A (p.Arg246Gln)

Gene: PNPLA1 (patatin like phospholipase domain containing 1; plus strand). Cytogenetic location: 6p21.31.
Variant type: single nucleotide variant.
Coding change: c.737G>A on transcript NM_001374623.1 (MANE Select); coding-DNA position 737, G replaced by A.
Protein change: p.Arg246Gln; replaces arginine 246 with glutamine.
Molecular consequence: missense variant.
Genome position (GRCh38, 1-based): chr6:36,295,386, G>A. VCF-style: chr6-36295386-G-A. GRCh37 (hg19) VCF-style: chr6-36263163-G-A.
Other names: c.479G>A, p.Arg160Gln (NM_001145716.2); c.737G>A, p.Arg246Gln (NM_001145717.1); c.452G>A, p.Arg151Gln (NM_173676.2); short protein forms R151Q, R160Q, R246Q.
Identifiers: ClinVar variation 3336149 (VCV003336149.1).
Genomic context (GRCh38, chr6:36,295,386, plus strand): 5'-CGCAGCCTTGGTAATTCTCCTGGTGCCTCCGCCCACAGATCCTGCACGATTACTACTACC[G>A]AGGGTACGAGGATGCAGTTTTGTACTTGAGGCGGCTGAGTAAGTACCGGTGGGGCCCCAG-3'
Protein context (NP_001361552.1, residues 236-256): DLVILHDYYY[Arg246Gln]GYEDAVLYLR

ClinVar aggregate classification (germline): Uncertain significance (1 of 4 stars; one submission).

Submission:

Women's Health and Genetics/Laboratory Corporation of America, LabCorp
Classification: Uncertain significance. Last evaluated: 2024-05-29. Review status: criteria provided, single submitter. Criteria: LabCorp Variant Classification Summary - May 2015. Collection method: clinical testing. Allele origin: germline.
Comment: Variant summary: PNPLA1 c.737G>A (p.Arg246Gln) results in a conservative amino acid change in the encoded protein sequence. Five of five in-silico tools predict a benign effect of the variant on protein function. The variant allele was found at a frequency of 1.6e-05 in 251482 control chromosomes. The available data on variant occurrences in the general population are insufficient to allow any conclusion about variant significance. To our knowledge, no occurrence of c.737G>A in individuals affected with Lamellar Ichthyosis and no experimental evidence demonstrating its impact on protein function have been reported. No submitters have cited clinical-significance assessments for this variant to ClinVar. Based on the evidence outlined above, the variant was classified as uncertain significance.